The following is an entry in ClinVar:

NM_006231.4(POLE):c.818C>T (p.Ala273Val)

Gene: POLE (DNA polymerase epsilon, catalytic subunit; minus strand). Cytogenetic location: 12q24.33.
Variant type: single nucleotide variant.
Coding change: c.818C>T on transcript NM_006231.4 (MANE Select); coding-DNA position 818, C replaced by T.
Protein change: p.Ala273Val; replaces alanine 273 with valine.
Molecular consequence: missense variant.
Genome position (GRCh38, 1-based): chr12:132,676,637, G>A on the plus strand (C>T on the coding strand, the complement: POLE is on the minus strand). VCF-style: chr12-132676637-G-A. GRCh37 (hg19) VCF-style: chr12-133253223-G-A.
Other names: short protein forms A273V.
Identifiers: ClinVar variation 1720137 (VCV001720137.5), dbSNP rs2542172406, ClinGen allele CA387364355.
Genomic context (GRCh38, chr12:132,676,637, plus strand): 5'-ATCTGGTCTGTCTCAGCATCAGGAAACTTGAGGGGCAGTTTGGTCGTCTCAATGTCAAAT[G>A]CCAAAACCACAGGGTCCTGTGGGGACAAAATAAGCATAAAGCCAAGCTCTAAACTCCCCA-3'
Protein context (NP_006222.2, residues 263-283): LVERPDPVVL[Ala273Val]FDIETTKLPL

ClinVar aggregate classification (germline): Uncertain significance (1 of 4 stars; one submission).

Submission:

Labcorp Genetics (formerly Invitae), Labcorp
Classification: Uncertain significance. Last evaluated: 2024-04-10. Review status: criteria provided, single submitter. Criteria: Invitae Variant Classification Sherloc (09022015). Collection method: clinical testing. Allele origin: germline.
Comment: This sequence change replaces alanine, which is neutral and non-polar, with valine, which is neutral and non-polar, at codon 273 of the POLE protein (p.Ala273Val). This variant is not present in population databases (gnomAD no frequency). This variant has not been reported in the literature in individuals affected with POLE-related conditions. ClinVar contains an entry for this variant (Variation ID: 1720137). Advanced modeling of protein sequence and biophysical properties (such as structural, functional, and spatial information, amino acid conservation, physicochemical variation, residue mobility, and thermodynamic stability) performed at Invitae indicates that this missense variant is expected to disrupt POLE protein function with a positive predictive value of 80%. In summary, the available evidence is currently insufficient to determine the role of this variant in disease. Therefore, it has been classified as a Variant of Uncertain Significance.